The following is an entry in ClinVar:

ClinVar aggregate classification (germline): Uncertain significance. Review status: criteria provided, multiple submitters, no conflicts (2 of 4 stars). 2 submissions from 2 submitters: Uncertain significance (2). Last evaluated 2024-01-09.

Conditions:
Inborn genetic diseases. Identifiers: MedGen C0950123, MeSH D030342.
Immunodeficiency, common variable, 10. Also called: DEFICIT IN ANTERIOR PITUITARY FUNCTION AND VARIABLE IMMUNODEFICIENCY; IMMUNODEFICIENCY, COMMON VARIABLE, WITH CENTRAL ADRENAL INSUFFICIENCY. Identifiers: MedGen C3809991, MONDO:0014260, OMIM 615577.

Submissions (2):

Ambry Genetics
Classification: Uncertain significance for Inborn genetic diseases. Last evaluated: 2024-01-09. Review status: criteria provided, single submitter. Criteria: Ambry Variant Classification Scheme 2023. Collection method: clinical testing. Allele origin: germline.

Baylor Genetics
Classification: Uncertain significance for Immunodeficiency, common variable, 10. Last evaluated: 2020-07-09. Review status: criteria provided, single submitter. Criteria: ACMG Guidelines, 2015. Collection method: clinical testing. Allele origin: unknown. Affected: yes.
Comment: This variant was determined to be of uncertain significance according to ACMG Guidelines, 2015 [PMID:25741868].

NM_001322934.2(NFKB2):c.1297G>C (p.Glu433Gln)

Genes: NFKB2 (nuclear factor kappa B subunit 2; plus strand), LOC130004599 (ATAC-STARR-seq lymphoblastoid silent region 2756; plus strand). Cytogenetic location: 10q24.32.
Variant type: single nucleotide variant.
Coding change: c.1297G>C on transcript NM_001322934.2 (MANE Select); coding-DNA position 1297, G replaced by C.
Protein change: p.Glu433Gln; replaces glutamic acid 433 with glutamine.
Molecular consequence: missense variant.
Genome position (GRCh38, 1-based): chr10:102,399,467, G>C. VCF-style: chr10-102399467-G-C. GRCh37 (hg19) VCF-style: chr10-104159224-G-C.
Other names: c.1297G>C, p.Glu433Gln (NM_001077494.3, NM_001261403.3, NM_001288724.1 and 1 more transcripts); c.1171G>C, p.Glu391Gln (NM_001322935.1); c.1297G>C (NM_001077494.1); short protein forms E391Q, E433Q.
Identifiers: ClinVar variation 1028506 (VCV001028506.2), dbSNP rs2061182778, ClinGen allele CA377899308.